The following is an entry in ClinVar:

ClinVar aggregate classification (germline): Uncertain significance (1 of 4 stars; one submission).

Allele frequency attached by ClinVar (database versions not stated): TOPMed below 0.00001.

Submission:

Labcorp Genetics (formerly Invitae), Labcorp
Classification: Uncertain significance. Last evaluated: 2022-03-20. Review status: criteria provided, single submitter. Criteria: Invitae Variant Classification Sherloc (09022015). Collection method: clinical testing. Allele origin: germline.
Comment: In summary, the available evidence is currently insufficient to determine the role of this variant in disease. Therefore, it has been classified as a Variant of Uncertain Significance. Variants that disrupt the consensus splice site are a relatively common cause of aberrant splicing (PMID: 17576681, 9536098). Algorithms developed to predict the effect of sequence changes on RNA splicing suggest that this variant is not likely to affect RNA splicing. This variant has not been reported in the literature in individuals affected with TBXAS1-related conditions. This variant is not present in population databases (gnomAD no frequency). This sequence change falls in intron 5 of the TBXAS1 gene. It does not directly change the encoded amino acid sequence of the TBXAS1 protein. It affects a nucleotide within the consensus splice site.

Literature cited by the submitters: PubMed 17576681; PubMed 9536098.

NM_001061.7(TBXAS1):c.450+6A>G

Gene: TBXAS1 (thromboxane A synthase 1; plus strand). Cytogenetic location: 7q34.
Variant type: single nucleotide variant.
Coding change: c.450+6A>G on transcript NM_001061.7 (MANE Select); 6 bases into the intron after coding-DNA position 450, A replaced by G.
Molecular consequence: intron variant.
Genome position (GRCh38, 1-based): chr7:139,936,313, A>G. VCF-style: chr7-139936313-A-G. GRCh37 (hg19) VCF-style: chr7-139636112-A-G.
Other names: c.450+6A>G (NM_001130966.5, NM_001166253.4, NM_030984.6); c.249+6A>G (NM_001166254.4); c.393+6A>G (NM_001314028.4); c.267+6A>G (NM_001366537.3).
Identifiers: ClinVar variation 1973045 (VCV001973045.5), dbSNP rs1344665793, ClinGen allele CA834143583.